The following is an entry in ClinVar:

NM_001330260.2(SCN8A):c.615-436C>T

Gene: SCN8A (sodium voltage-gated channel alpha subunit 8; plus strand). Cytogenetic location: 12q13.13.
Variant type: single nucleotide variant.
Coding change: c.615-436C>T on transcript NM_001330260.2 (MANE Select); 436 bases into the intron before coding-DNA position 615, C replaced by T.
Molecular consequence: intron variant.
Genome position (GRCh38, 1-based): chr12:51,688,569, C>T. VCF-style: chr12-51688569-C-T. GRCh37 (hg19) VCF-style: chr12-52082353-C-T.
Other names: c.615-189C>T (NM_014191.4, NM_001177984.3); c.615-436C>T (NM_001369788.1).
Identifiers: ClinVar variation 677607 (VCV000677607.1), dbSNP rs184168638, ClinGen allele CA236260198.

ClinVar aggregate classification (germline): Likely benign (1 of 4 stars; one submission).

Allele frequency attached by ClinVar (database versions not stated): gnomAD 0.00549 and 0.00583; TOPMed 0.00678; 1000 Genomes Project 0.00819; 1000 Genomes Project 30x 0.00984.
gnomAD v4.1: 830 of 152,260 alleles (0.55%); highest among the groups gnomAD compares: African/African-American, 1.9%; 10 homozygotes.

Submission:

GeneDx
Classification: Likely benign. Last evaluated: 2018-06-19. Review status: criteria provided, single submitter. Criteria: GeneDx Variant Classification (06012015). Collection method: clinical testing. Allele origin: germline. Affected: yes.
Comment: This variant is considered likely benign or benign based on one or more of the following criteria: it is a conservative change, it occurs at a poorly conserved position in the protein, it is predicted to be benign by multiple in silico algorithms, and/or has population frequency not consistent with disease.